The following is an entry in ClinVar:

NM_023036.6(DNAI2):c.844_845insACTGTCTCTTATA (p.Ser282fs)

Gene: DNAI2 (dynein axonemal intermediate chain 2; plus strand). Cytogenetic location: 17q25.1.
Variant type: Insertion.
Coding change: c.844_845insACTGTCTCTTATA on transcript NM_023036.6 (MANE Select); coding-DNA positions 844 to 845, ACTGTCTCTTATA inserted.
Protein change: p.Ser282fs; shifts the reading frame from serine 282.
Molecular consequence: frameshift variant. On other transcripts: non-coding transcript variant (1).
Genome position: GRCh38 VCF-style: chr17-74299837-T-TACTGTCTCTTATA. GRCh37 (hg19) VCF-style: chr17-72295976-T-TACTGTCTCTTATA.
Other names: c.844_845insACTGTCTCTTATA, p.Ser282fs (NM_001172810.3, NM_001353167.2); short protein forms S282fs.
Identifiers: ClinVar variation 5010874 (VCV005010874.1).

ClinVar aggregate classification (germline): Pathogenic (1 of 4 stars; one submission).

Conditions:
Primary ciliary dyskinesia 9. Also called: CILIARY DYSKINESIA, PRIMARY, 9, WITH OR WITHOUT SITUS INVERSUS. Identifiers: Orphanet 244, MedGen C2676235, MONDO:0012906, OMIM 612444.

Submission:

Myriad Genetics, Inc.
Classification: Pathogenic for Primary ciliary dyskinesia 9. Last evaluated: 2024-05-14. Review status: criteria provided, single submitter. Criteria: Myriad Autosomal Dominant, Autosomal Recessive and X-Linked Classification Criteria (2023). Collection method: clinical testing. Allele origin: unknown.
Comment: NM_023036.4(DNAI2):c.844_845ins13(S282Yfs*25) is expected to be pathogenic in the context of primary ciliary dyskinesia, DNAI2-related. This variant is predicted to lead to an abnormal or absent protein product due to the creation of a premature termination codon in DNAI2, a gene where loss-of-function variants are known to be pathogenic. Please note: this variant was assessed in the context of healthy population screening.